The following is an entry in ClinVar:

ClinVar aggregate classification (germline): Uncertain significance (1 of 4 stars; one submission).

Conditions:
Chédiak-Higashi syndrome (CHS). Also called: Chediak-Higashi Syndrome. Identifiers: Orphanet 167, MedGen C0007965, MONDO:0008963, OMIM 214500.

Allele frequency attached by ClinVar (database versions not stated): TOPMed below 0.00001.

Submission:

Labcorp Genetics (formerly Invitae), Labcorp
Classification: Uncertain significance for Chédiak-Higashi syndrome. Last evaluated: 2022-01-06. Review status: criteria provided, single submitter. Criteria: Invitae Variant Classification Sherloc (09022015). Collection method: clinical testing. Allele origin: germline.
Comment: This sequence change replaces glutamine, which is neutral and polar, with arginine, which is basic and polar, at codon 3564 of the LYST protein (p.Gln3564Arg). This variant is not present in population databases (gnomAD no frequency). This variant has not been reported in the literature in individuals affected with LYST-related conditions. Algorithms developed to predict the effect of missense changes on protein structure and function output the following: SIFT: "Tolerated"; PolyPhen-2: "Benign"; Align-GVGD: "Class C0". The arginine amino acid residue is found in multiple mammalian species, which suggests that this missense change does not adversely affect protein function. In summary, the available evidence is currently insufficient to determine the role of this variant in disease. Therefore, it has been classified as a Variant of Uncertain Significance.

NM_000081.4(LYST):c.10691A>G (p.Gln3564Arg)

Gene: LYST (lysosomal trafficking regulator; minus strand). Cytogenetic location: 1q42.3.
Variant type: single nucleotide variant.
Coding change: c.10691A>G on transcript NM_000081.4 (MANE Select); coding-DNA position 10691, A replaced by G.
Protein change: p.Gln3564Arg; replaces glutamine 3564 with arginine.
Molecular consequence: missense variant.
Genome position (GRCh38, 1-based): chr1:235,693,360, T>C on the plus strand (A>G on the coding strand, the complement: LYST is on the minus strand). VCF-style: chr1-235693360-T-C. GRCh37 (hg19) VCF-style: chr1-235856660-T-C.
Other names: c.10691A>G, p.Gln3564Arg (NM_001301365.1); short protein forms Q3564R.
Identifiers: ClinVar variation 2418318 (VCV002418318.3), dbSNP rs1660830943, ClinGen allele CA344925894.